The following is an entry in ClinVar:

ClinVar aggregate classification (germline): Uncertain significance (1 of 4 stars; one submission).

Conditions:
Distal hereditary motor neuropathy type 2. Identifiers: Orphanet 139525, MedGen C3711384, MeSH C580044, MONDO:0015352.

Allele frequency attached by ClinVar (database versions not stated): ExAC 0.00001; gnomAD exomes 0.00002.
gnomAD v4.1: 26 of 1,599,508 alleles (0.0016%); highest among the groups gnomAD compares: South Asian, 0.0033%; no homozygotes.

Submission:

Labcorp Genetics (formerly Invitae), Labcorp
Classification: Uncertain significance for Distal hereditary motor neuropathy type 2. Last evaluated: 2023-09-08. Review status: criteria provided, single submitter. Criteria: Invitae Variant Classification Sherloc (09022015). Collection method: clinical testing. Allele origin: germline.
Comment: In summary, the available evidence is currently insufficient to determine the role of this variant in disease. Therefore, it has been classified as a Variant of Uncertain Significance. Variants that disrupt the consensus splice site are a relatively common cause of aberrant splicing (PMID: 17576681, 9536098). Algorithms developed to predict the effect of sequence changes on RNA splicing suggest that this variant may disrupt the consensus splice site. An algorithm developed to predict the effect of missense changes on protein structure and function (PolyPhen-2) suggests that this variant is likely to be disruptive. ClinVar contains an entry for this variant (Variation ID: 541021). This variant has not been reported in the literature in individuals affected with FBXO38-related conditions. This variant is present in population databases (rs779438870, gnomAD 0.003%). This sequence change replaces alanine, which is neutral and non-polar, with threonine, which is neutral and polar, at codon 540 of the FBXO38 protein (p.Ala540Thr). This variant also falls at the last nucleotide of exon 12, which is part of the consensus splice site for this exon.

Literature cited by the submitters: PubMed 17576681; PubMed 9536098.

NM_205836.3(FBXO38):c.1618G>A (p.Ala540Thr)

Gene: FBXO38 (F-box protein 38; plus strand). Cytogenetic location: 5q32.
Variant type: single nucleotide variant.
Coding change: c.1618G>A on transcript NM_205836.3 (MANE Select); coding-DNA position 1618, G replaced by A.
Protein change: p.Ala540Thr; replaces alanine 540 with threonine.
Molecular consequence: missense variant.
Genome position (GRCh38, 1-based): chr5:148,417,204, G>A. VCF-style: chr5-148417204-G-A. GRCh37 (hg19) VCF-style: chr5-147796767-G-A.
Other names: c.1618G>A, p.Ala540Thr (NM_001271723.2, NM_030793.5); short protein forms A540T.
Identifiers: ClinVar variation 541021 (VCV000541021.10), dbSNP rs779438870, ClinGen allele CA3497314.